The following is an entry in ClinVar:

ClinVar aggregate classification (germline): Uncertain significance (1 of 4 stars; one submission).

Conditions:
Brown-Vialetto-van Laere syndrome 2. Also called: SPINOCEREBELLAR ATAXIA WITH BLINDNESS AND DEAFNESS 2; Riboflavin transporter deficiency type 2. Identifiers: Orphanet 572543, Orphanet 97229, MedGen C3553538, MONDO:0013867, OMIM 614707.

Submission:

Labcorp Genetics (formerly Invitae), Labcorp
Classification: Uncertain significance for Brown-Vialetto-van Laere syndrome 2. Last evaluated: 2022-08-21. Review status: criteria provided, single submitter. Criteria: Invitae Variant Classification Sherloc (09022015). Collection method: clinical testing. Allele origin: germline.
Comment: A copy number gain of the genomic region encompassing the full coding sequence of the SLC52A2 gene has been identified. The boundaries of this event are unknown as they extend beyond the assayed region for this gene and therefore may encompass additional genes. As the precise location of this event is unknown, it may be in tandem or it may be located elsewhere in the genome. This variant has not been reported in the literature in individuals affected with SLC52A2-related conditions. In summary, the available evidence is currently insufficient to determine the role of this variant in disease. Therefore, it has been classified as a Variant of Uncertain Significance.

NC_000008.10:g.(?_145582954)_(145584675_?)dup

Gene: SLC52A2 (solute carrier family 52 member 2; plus strand). Cytogenetic location: 8q24.3.
Variant type: Duplication.
Identifiers: ClinVar variation 2426828 (VCV002426828.5).